The following is an entry in ClinVar:

NM_001007792.1(NTRK1):c.-3C>T

Genes: NTRK1 (neurotrophic receptor tyrosine kinase 1; plus strand), SH2D2A (SH2 domain containing 2A; minus strand). Cytogenetic location: 1q23.1.
Variant type: single nucleotide variant.
Coding change: c.-3C>T on transcript NM_001007792.1; 3 bases upstream of the start codon, C replaced by T.
Molecular consequence: 5 prime UTR variant. On other transcripts: intron variant (5).
Genome position (GRCh38, 1-based): chr1:156,815,827, C>T. VCF-style: chr1-156815827-C-T. GRCh37 (hg19) VCF-style: chr1-156785619-C-T.
Other names: c.69+179G>A (NM_001161442.2); c.123+179G>A (NM_003975.4, NM_001161441.2, NM_001161444.2); c.39+179G>A (NM_001161443.2).
Identifiers: ClinVar variation 4977628 (VCV004977628.1).
Genomic context (GRCh38, chr1:156,815,827, plus strand): 5'-GGACTCAGCCTGAGCTTCCAGAGGGCCTAGGAGCAGTAAGGGAGTGAGTGGGCAACTCGG[C>T]GCATGAAGGAGGTACTCCTCATTTTCGTTCTCTCTCTCTGTGCCCCAGCCCGTTGGCAGA-3'

ClinVar aggregate classification (germline): Uncertain significance (1 of 4 stars; one submission).

Conditions:
NTRK1-related disorder. Also called: NTRK1-related condition.

gnomAD v4.1: 17 of 1,614,030 alleles (0.0011%); highest among the groups gnomAD compares: Middle Eastern, 0.016%; no homozygotes.

Submission:

PreventionGenetics, part of Exact Sciences
Classification: Uncertain significance for NTRK1-related condition. Last evaluated: 2026-02-14. Review status: criteria provided, single submitter. Criteria: ACMG Guidelines, 2015. Collection method: clinical testing. Allele origin: germline.
Comment: The NTRK1 c.-3C>T variant is located in the 5' untranslated region. This variant is predicted to impact splicing based on splicing prediction programs (SpliceAI, Jaganathan et al. 2019. PubMed ID: 30661751). This variant can also be referred to as pre-coding variant c.-45108C>T with the transcript listed in the Human Gene Mutation Database (NM_001012331). To our knowledge, this variant has not been reported in the literature. This variant is reported in 0.0040% of alleles in individuals of African descent in gnomAD. At this time, the clinical significance of this variant is uncertain due to the absence of conclusive functional and genetic evidence.